The following is an entry in ClinVar:

ClinVar aggregate classification (germline): Uncertain significance. Review status: criteria provided, multiple submitters, no conflicts (2 of 4 stars). 3 submissions from 3 submitters: Uncertain significance (3). Last evaluated 2024-01-22.

Conditions:
Ataxia-telangiectasia syndrome (AT). Also called: Ataxia-telangiectasia; LOUIS-BAR SYNDROME; Ataxia-telangiectasia, complementation group D; AT, COMPLEMENTATION GROUP C; ATAXIA-TELANGIECTASIA, COMPLEMENTATION GROUP A; ATAXIA-TELANGIECTASIA, FRESNO VARIANT. Identifiers: Orphanet 100, MedGen C0004135, MONDO:0008840, OMIM 208900.
Hereditary cancer-predisposing syndrome. Also called: Tumor predisposition; Neoplastic Syndromes, Hereditary; Hereditary Cancer Syndrome; Hereditary neoplastic syndrome. Identifiers: Orphanet 140162, MedGen C0027672, MeSH D009386, MONDO:0015356.

gnomAD v4.1: 1 of 1,614,138 alleles (0.000062%); highest among the groups gnomAD compares: African/African-American, 0.0013%; no homozygotes.

Submissions (3):

Color Diagnostics, LLC DBA Color Health
Classification: Uncertain significance for Hereditary cancer-predisposing syndrome. Last evaluated: 2024-01-22. Review status: criteria provided, single submitter. Criteria: ACMG Guidelines, 2015. Collection method: clinical testing. Allele origin: germline.
Comment: This missense variant replaces arginine with leucine at codon 2443 of the ATM protein. Computational prediction suggests that this variant may have deleterious impact on protein structure and function. To our knowledge, functional studies have not been reported for this variant. This variant has been reported in an individual affected with breast cancer who also carried a pathogenic co-variant in BRCA2 (PMID: 32868316). This variant has not been identified in the general population by the Genome Aggregation Database (gnomAD). The available evidence is insufficient to determine the role of this variant in disease conclusively. Therefore, this variant is classified as a Variant of Uncertain Significance.

Ambry Genetics
Classification: Uncertain significance for Hereditary cancer-predisposing syndrome. Last evaluated: 2023-09-05. Review status: criteria provided, single submitter. Criteria: Ambry Variant Classification Scheme 2023. Collection method: clinical testing. Allele origin: germline.
Comment: The p.R2443L variant (also known as c.7328G>T), located in coding exon 49 of the ATM gene, results from a G to T substitution at nucleotide position 7328. The arginine at codon 2443 is replaced by leucine, an amino acid with dissimilar properties. This amino acid position is highly conserved in available vertebrate species. In addition, the in silico prediction for this alteration is inconclusive. Since supporting evidence is limited at this time, the clinical significance of this alteration remains unclear.

Labcorp Genetics (formerly Invitae), Labcorp
Classification: Uncertain significance for Ataxia-telangiectasia syndrome. Last evaluated: 2021-11-12. Review status: criteria provided, single submitter. Criteria: Invitae Variant Classification Sherloc (09022015). Collection method: clinical testing. Allele origin: germline.
Comment: In summary, the available evidence is currently insufficient to determine the role of this variant in disease. Therefore, it has been classified as a Variant of Uncertain Significance. This sequence change replaces arginine, which is basic and polar, with leucine, which is neutral and non-polar, at codon 2443 of the ATM protein (p.Arg2443Leu). This variant is not present in population databases (gnomAD no frequency). This variant has not been reported in the literature in individuals affected with ATM-related conditions. Advanced modeling of protein sequence and biophysical properties (such as structural, functional, and spatial information, amino acid conservation, physicochemical variation, residue mobility, and thermodynamic stability) performed at Invitae indicates that this missense variant is expected to disrupt ATM protein function.

Literature cited by the submitters: PubMed 32868316 (cited by Color Diagnostics, LLC DBA Color Health).

NM_000051.4(ATM):c.7328G>T (p.Arg2443Leu)

Genes: ATM (ATM serine/threonine kinase; plus strand), C11orf65 (chromosome 11 open reading frame 65; minus strand). Cytogenetic location: 11q22.3.
Variant type: single nucleotide variant.
Coding change: c.7328G>T on transcript NM_000051.4 (MANE Select); coding-DNA position 7328, G replaced by T.
Protein change: p.Arg2443Leu; replaces arginine 2443 with leucine.
Molecular consequence: missense variant. On other transcripts: intron variant (2).
Genome position (GRCh38, 1-based): chr11:108,330,234, G>T. VCF-style: chr11-108330234-G-T. GRCh37 (hg19) VCF-style: chr11-108200961-G-T.
Other names: c.*38+4986C>A (NM_001351110.2); c.7328G>T, p.Arg2443Leu (NM_001351834.2); c.641-21163C>A (NM_001330368.2); short protein forms R2443L.
Identifiers: ClinVar variation 1442180 (VCV001442180.7), dbSNP rs587782310, ClinGen allele CA382559897.
Genomic context (GRCh38, chr11:108,330,234, plus strand): 5'-TTCATGGCTTTTGTGTTTTACCTTAATTATTCTATGCAAGATACACAGTAAAGGTTCAGC[G>T]AGAGCTGGAGTTGGATGAATTAGCCCTGCGTGCACTGAAAGAGGATCGTAAACGCTTCTT-3'
Protein context (NP_000042.3, residues 2433-2453): QTNRYTVKVQ[Arg2443Leu]ELELDELALR